The following is an entry in ClinVar:

ClinVar aggregate classification (germline): Uncertain significance. Review status: criteria provided, multiple submitters, no conflicts (2 of 4 stars). 3 submissions from 3 submitters: Uncertain significance (2). 1 of the submissions does not count toward it. Last evaluated 2022-07-05.

Conditions:
Charlevoix-Saguenay spastic ataxia (SACS). Also called: AUTOSOMAL RECESSIVE SPASTIC ATAXIA OF CHARLEVOIX-SAGUENAY; Spastic ataxia of Charlevoix-Saguenay; SPASTIC ATAXIA 6, AUTOSOMAL RECESSIVE. Identifiers: Orphanet 98, MedGen C1849140, MONDO:0010041, OMIM 270550.
Spastic paraplegia. Identifiers: MedGen C0037772, HP:0001258.

Submissions (3):

Labcorp Genetics (formerly Invitae), Labcorp
Classification: Uncertain significance for Spastic paraplegia. Last evaluated: 2022-07-05. Review status: criteria provided, single submitter. Criteria: Invitae Variant Classification Sherloc (09022015). Collection method: clinical testing. Allele origin: germline.
Comment: ClinVar contains an entry for this variant (Variation ID: 805289). In summary, the available evidence is currently insufficient to determine the role of this variant in disease. Therefore, it has been classified as a Variant of Uncertain Significance. Advanced modeling of protein sequence and biophysical properties (such as structural, functional, and spatial information, amino acid conservation, physicochemical variation, residue mobility, and thermodynamic stability) performed at Invitae indicates that this missense variant is not expected to disrupt SACS protein function. This variant has not been reported in the literature in individuals affected with SACS-related conditions. This variant is not present in population databases (gnomAD no frequency). This sequence change replaces isoleucine, which is neutral and non-polar, with serine, which is neutral and polar, at codon 464 of the SACS protein (p.Ile464Ser).

Athena Diagnostics
Classification: Uncertain significance. Last evaluated: 2018-09-18. Review status: criteria provided, single submitter. Criteria: Athena Diagnostics Criteria. Collection method: clinical testing. Allele origin: germline.

Natera, Inc.
Classification: Uncertain significance for Charlevoix-Saguenay type spastic ataxia. Last evaluated: 2021-06-18. Review status: no assertion criteria provided. Collection method: clinical testing. Allele origin: germline. Not counted in ClinVar's aggregate classification.

NM_014363.6(SACS):c.1391T>G (p.Ile464Ser)

Gene: SACS (sacsin molecular chaperone; minus strand). Cytogenetic location: 13q12.12.
Variant type: single nucleotide variant.
Coding change: c.1391T>G on transcript NM_014363.6 (MANE Select); coding-DNA position 1391, T replaced by G.
Protein change: p.Ile464Ser; replaces isoleucine 464 with serine.
Molecular consequence: missense variant.
Genome position (GRCh38, 1-based): chr13:23,355,221, A>C on the plus strand (T>G on the coding strand, the complement: SACS is on the minus strand). VCF-style: chr13-23355221-A-C. GRCh37 (hg19) VCF-style: chr13-23929360-A-C.
Other names: c.950T>G, p.Ile317Ser (NM_001278055.2); short protein forms I464S, I317S.
Identifiers: ClinVar variation 805289 (VCV000805289.9), dbSNP rs1593144937, ClinGen allele CA387548678.